The following is an entry in ClinVar:

NM_017721.5(CC2D1A):c.2657G>A (p.Arg886His)

Gene: CC2D1A (coiled-coil and C2 domain containing 1A; plus strand). Cytogenetic location: 19p13.12.
Variant type: single nucleotide variant.
Coding change: c.2657G>A on transcript NM_017721.5 (MANE Select); coding-DNA position 2657, G replaced by A.
Protein change: p.Arg886His; replaces arginine 886 with histidine.
Molecular consequence: missense variant.
Genome position (GRCh38, 1-based): chr19:13,929,607, G>A. VCF-style: chr19-13929607-G-A. GRCh37 (hg19) VCF-style: chr19-14040420-G-A.
Other names: short protein forms R886H.
Identifiers: ClinVar variation 254203 (VCV000254203.61), dbSNP rs201921029, ClinGen allele CA9245172.

ClinVar aggregate classification (germline): Conflicting classifications of pathogenicity. Review status: criteria provided, conflicting classifications (1 of 4 stars). 8 submissions from 8 submitters: Pathogenic (1); Uncertain significance (7). Last evaluated 2024-11-11.

Conditions:
Inborn genetic diseases. Identifiers: MedGen C0950123, MeSH D030342.
Smith-Magenis Syndrome-like.
Intellectual developmental disorder, autosomal recessive 3. Also called: Intellectual disability, autosomal recessive 3. Identifiers: Orphanet 88616, MedGen C1838023, MONDO:0012037, OMIM 608443.

Allele frequency attached by ClinVar (database versions not stated): 1000 Genomes Project 30x 0.00016; TOPMed 0.00070; gnomAD 0.00072; gnomAD exomes 0.00073; ESP Exome Variant Server 0.00097; ExAC 0.00101.
gnomAD v4.1: 2,063 of 1,593,720 alleles (0.13%); highest among the groups gnomAD compares: Non-Finnish European, 0.16%; 2 homozygotes.

Submissions (8):

Blueprint Genetics
Classification: Uncertain significance. Last evaluated: 2024-11-11. Review status: criteria provided, single submitter. Criteria: ACMG Guidelines, 2015. Collection method: clinical testing. Allele origin: germline.

GeneDx
Classification: Uncertain significance. Last evaluated: 2022-09-29. Review status: criteria provided, single submitter. Criteria: GeneDx Variant Classification Process June 2021. Collection method: clinical testing. Allele origin: germline. Affected: yes.
Comment: Observed with an additional missense variant in a patient with developmental delay, behavior problems, and dysmorphic features in published literature, but it is not known whether the variants occurred on the same (in cis) or on different (in trans) chromosomes (Loviglio et al., 2016); In silico analysis supports that this missense variant does not alter protein structure/function; This variant is associated with the following publications: (PMID: 27799067)

Labcorp Genetics (formerly Invitae), Labcorp
Classification: Uncertain significance. Last evaluated: 2022-06-23. Review status: criteria provided, single submitter. Criteria: Invitae Variant Classification Sherloc (09022015). Collection method: clinical testing. Allele origin: germline.
Comment: This sequence change replaces arginine, which is basic and polar, with histidine, which is basic and polar, at codon 886 of the CC2D1A protein (p.Arg886His). This variant is present in population databases (rs201921029, gnomAD 0.1%), and has an allele count higher than expected for a pathogenic variant. This missense change has been observed in individual(s) with clinical features CC2D1A-related conditions (PMID: 27799067). ClinVar contains an entry for this variant (Variation ID: 254203). Algorithms developed to predict the effect of missense changes on protein structure and function output the following: SIFT: "Deleterious"; PolyPhen-2: "Benign"; Align-GVGD: "Class C0". The histidine amino acid residue is found in multiple mammalian species, which suggests that this missense change does not adversely affect protein function. In summary, the available evidence is currently insufficient to determine the role of this variant in disease. Therefore, it has been classified as a Variant of Uncertain Significance.

CeGaT Center for Human Genetics Tuebingen
Classification: Uncertain significance. Last evaluated: 2019-08-01. Review status: criteria provided, single submitter. Criteria: CeGaT Center For Human Genetics Tuebingen Variant Classification Criteria Version 2. Collection method: clinical testing. Allele origin: germline. Affected: yes. Observed: 3 variant alleles.

Ambry Genetics
Classification: Uncertain significance for Inborn genetic diseases. Last evaluated: 2019-07-12. Review status: criteria provided, single submitter. Criteria: Ambry Variant Classification Scheme 2023. Collection method: clinical testing. Allele origin: germline.
Comment: The p.R886H variant (also known as c.2657G>A), located in coding exon 26 of the CC2D1A gene, results from a G to A substitution at nucleotide position 2657. The arginine at codon 886 is replaced by histidine, an amino acid with highly similar properties. This amino acid position is not well conserved in available vertebrate species. In addition, this alteration is predicted to be tolerated by in silico analysis. Since supporting evidence is limited at this time, the clinical significance of this alteration remains unclear.

Baylor Genetics
Classification: Uncertain significance for Intellectual developmental disorder, autosomal recessive 3. Last evaluated: 2018-07-11. Review status: criteria provided, single submitter. Criteria: ACMG Guidelines, 2015. Collection method: clinical testing. Allele origin: unknown. Affected: yes.
Comment: This variant was determined to be of uncertain significance according to ACMG Guidelines, 2015 [PMID:25741868].

Genetic Services Laboratory, University of Chicago
Classification: Uncertain significance. Last evaluated: 2016-09-14. Review status: criteria provided, single submitter. Criteria: ACMG Guidelines, 2015. Collection method: clinical testing. Allele origin: germline. Affected: no.

Lupski Lab, Baylor-Hopkins CMG, Baylor College of Medicine
Classification: Pathogenic for Smith-Magenis Syndrome-like. Last evaluated: 2016-08-15. Review status: criteria provided, single submitter. Criteria: Loviglio et al (Genome Med 2016). Collection method: research. Allele origin: unknown. Inheritance: Autosomal recessive inheritance. Affected: yes. Study: Identification of a RAI1-associated disease network through integration of exome sequencing, transcriptomics and 3D genomics.

Literature cited by the submitters: PubMed 27799067 (cited by Labcorp Genetics (formerly Invitae), Labcorp and Ambry Genetics).